The following is an entry in ClinVar:

ClinVar aggregate classification (germline): Benign. Review status: reviewed by expert panel (3 of 4 stars). 18 submissions from 17 submitters: Benign (1). 17 of the submissions do not count toward it. Last evaluated 2023-08-08.

Conditions:
CDH1-related diffuse gastric and lobular breast cancer syndrome. Also called: CDH1-related diffuse gastric and lobular breast cancer. Identifiers: MedGen CN311521, MONDO:0100488.
Hereditary cancer-predisposing syndrome. Also called: Hereditary Cancer Syndrome; Tumor predisposition; Hereditary neoplastic syndrome; Neoplastic Syndromes, Hereditary. Identifiers: Orphanet 140162, MedGen C0027672, MeSH D009386, MONDO:0015356.
Hereditary diffuse gastric adenocarcinoma (HDGC). Also called: DIFFUSE GASTRIC AND LOBULAR BREAST CANCER SYNDROME. Identifiers: Orphanet 26106, MedGen C1708349, MONDO:0007648, OMIM 137215.
Prostate cancer. Also called: Malignant tumor of prostate. Identifiers: Orphanet 1331, MedGen C0376358, MONDO:0008315, HP:0012125.

Allele frequency attached by ClinVar (database versions not stated): gnomAD 0.00001 and 0.00013; TOPMed 0.00004; gnomAD exomes 0.00050; ExAC 0.00059; 1000 Genomes Project 30x 0.00156; 1000 Genomes Project 0.00200.

Submissions (18):

Clingen Gastric Cancer Variant Curation Expert Panel
Classification: Benign for CDH1-related diffuse gastric and lobular breast cancer syndrome. Last evaluated: 2023-08-08. Review status: reviewed by expert panel. Criteria: ClinGen CDH1 ACMG Specifications V3.1. Collection method: curation. Allele origin: germline. Inheritance: Autosomal dominant inheritance.
Comment: The c.604G>A (p.Val202Ile) variant has an allele frequency of 0.00354 (0.35%, 109/30,772 alleles) in the South Asian subpopulation of the gnomAD cohort (BA1). In summary, this variant meets criteria to be classified as benign. ACMG/AMP criteria applied, as specified by the CDH1 Variant Curation Expert Panel (Variant Interpretation Guidelines Version 3.1): BA1.

Labcorp Genetics (formerly Invitae), Labcorp
Classification: Benign for Hereditary diffuse gastric adenocarcinoma. Last evaluated: 2026-02-03. Review status: criteria provided, single submitter. Criteria: Invitae Variant Classification Sherloc (09022015). Collection method: clinical testing. Allele origin: germline. Not counted in ClinVar's aggregate classification.

Center for Genomic Medicine, Rigshospitalet, Copenhagen University Hospital
Classification: Benign. Last evaluated: 2025-03-04. Review status: criteria provided, single submitter. Criteria: ACMG Guidelines, 2015. Collection method: clinical testing. Allele origin: germline. Not counted in ClinVar's aggregate classification.

KCCC/NGS Laboratory, Kuwait Cancer Control Center
Classification: Benign for Hereditary diffuse gastric adenocarcinoma. Last evaluated: 2025-02-01. Review status: criteria provided, single submitter. Criteria: ACMG Guidelines, 2015. Collection method: clinical testing. Allele origin: germline. Affected: no. Not counted in ClinVar's aggregate classification.

Color Diagnostics, LLC DBA Color Health
Classification: Benign for Hereditary cancer-predisposing syndrome. Last evaluated: 2024-09-25. Review status: criteria provided, single submitter. Criteria: ACMG Guidelines, 2015. Collection method: clinical testing. Allele origin: germline. Not counted in ClinVar's aggregate classification.

Blueprint Genetics
Classification: Likely benign. Last evaluated: 2023-11-07. Review status: criteria provided, single submitter. Criteria: ACMG Guidelines, 2015. Collection method: clinical testing. Allele origin: germline. Not counted in ClinVar's aggregate classification.

Institute for Biomarker Research, Medical Diagnostic Laboratories, L.L.C.
Classification: Benign for Hereditary cancer-predisposing syndrome. Last evaluated: 2023-09-21. Review status: criteria provided, single submitter. Criteria: ACMG Guidelines, 2015. Collection method: clinical testing. Allele origin: germline. Not counted in ClinVar's aggregate classification.

KCCC/NGS Laboratory, Kuwait Cancer Control Center
Classification: Benign for Familial prostate cancer. Last evaluated: 2023-07-07. Review status: criteria provided, single submitter. Criteria: ACMG Guidelines, 2015. Collection method: clinical testing. Allele origin: germline. Affected: yes. Not counted in ClinVar's aggregate classification.

Quest Diagnostics Nichols Institute San Juan Capistrano
Classification: Benign. Last evaluated: 2023-05-31. Review status: criteria provided, single submitter. Criteria: Quest Diagnostics criteria. Collection method: clinical testing. Allele origin: unknown. Not counted in ClinVar's aggregate classification.

GeneDx
Classification: Likely benign. Last evaluated: 2020-10-26. Review status: criteria provided, single submitter. Criteria: GeneDx Variant Classification Process June 2021. Collection method: clinical testing. Allele origin: germline. Affected: yes. Not counted in ClinVar's aggregate classification.
Comment: This variant is associated with the following publications: (PMID: 23431106, 24728327, 28135048, 26182300, 21696387)

Sema4
Classification: Benign for Hereditary cancer-predisposing syndrome. Last evaluated: 2020-10-06. Review status: criteria provided, single submitter. Criteria: Sema4 Curation Guidelines. Collection method: curation. Allele origin: germline. Not counted in ClinVar's aggregate classification.

Ambry Genetics
Classification: Benign for Hereditary cancer-predisposing syndrome. Last evaluated: 2017-10-17. Review status: criteria provided, single submitter. Criteria: Ambry Variant Classification Scheme 2023. Collection method: clinical testing. Allele origin: germline. Not counted in ClinVar's aggregate classification.

Illumina Laboratory Services, Illumina
Classification: Likely benign for Hereditary diffuse gastric adenocarcinoma. Last evaluated: 2017-04-27. Review status: criteria provided, single submitter. Criteria: ICSL Variant Classification Criteria 13 December 2019. Collection method: clinical testing. Allele origin: germline. Not counted in ClinVar's aggregate classification.
Comment: This variant was observed as part of a predisposition screen in an ostensibly healthy population. A literature search was performed for the gene, cDNA change, and amino acid change (where applicable). Publications were found based on this search. The evidence from the literature, in combination with allele frequency data from public databases where available, was sufficient to determine this variant is unlikely to cause disease. Therefore, this variant is classified as likely benign.

Women's Health and Genetics/Laboratory Corporation of America, LabCorp
Classification: Benign. Last evaluated: 2016-05-03. Review status: criteria provided, single submitter. Criteria: LabCorp Variant Classification Summary - May 2015. Collection method: clinical testing. Allele origin: germline. Not counted in ClinVar's aggregate classification.
Comment: Variant summary: The CDH1 variant, c.604G>A (p.Val202Ile) causes a missense change involving a non-conserved nucleotide with 4/4 in silico tools (SNPs&GO not captured here due to low reliability index) predict a "benign"outcome, although these predictions have yet to be functionally assessed. The variant of interest was observed in the large, broad control population, ExAC, with an allele frequency of 72/121206 (1/1683 including 1 homozygote), predominantly in the South Asian cohort, 64/16478 (1/257 including 1 homozygote), which exceeds the estimated maximum expected allele frequency for a pathogenic CDH1 variant of 1/35335. Therefore, suggesting that the variant is a common polymorphism found in population(s) of South Asian origins. The variant of interest has been reported in affected individuals via publication(s) including a publication indicating a MLH1 variant is causal for the phenotype, not the variant of interest. Multiple reputable clinical laboratories have cited the variant with conflicting classifications, "uncertain significance" or "likely benign." Therefore, taking all available lines of evidence, therefore the variant of interest is classified as Benign.

ITMI
No classification provided. Condition: AllHighlyPenetrant. Last evaluated: 2013-09-19. Review status: no classification provided. Collection method: reference population. Allele origin: germline. Not counted in ClinVar's aggregate classification.
Comment: Please see associated publication for description of ethnicities

Clinical Genetics, Academic Medical Center
Classification: Benign. Review status: no assertion criteria provided. Collection method: clinical testing. Allele origin: germline. Affected: yes. Study: VKGL Data-share Consensus. Not counted in ClinVar's aggregate classification.

Department of Pathology and Laboratory Medicine, Sinai Health System
Classification: Likely benign. Review status: no assertion criteria provided. Collection method: clinical testing. Allele origin: unknown. Affected: yes. Study: The Canadian Open Genetics Repository (COGR). Not counted in ClinVar's aggregate classification.
Comment: The CDH1 p.Val202Ile variant was identified in the literature in 1 of 472 proband chromosomes (frequency: 0.002) from individuals or families with gastric cancer and was present in 1 of 1362 control chromosomes (frequency: 0.0007) from healthy individuals (Chen 2013, Bodian 2014). The variant was also identified in the following databases: dbSNP (ID: rs546716073) as "With Uncertain significance, other allele" and ClinVar (classified as likely benign by Ambry Genetics, GeneDx, and Illumina Clinical Services Laboratory; and as benign by Invitae). The variant was not identified in Cosmic, MutDB, Insight Colon Cancer Gene Variant Database, or the Zhejiang Colon Cancer Database. The variant was identified in control databases in 126 of 276950 chromosomes (1 homozygous) at a frequency of 0.0005 (Genome Aggregation Database Feb 27, 2017). The variant was identified in the following populations: South Asian in 109 of 30772 chromosomes (freq: 0.004), Other in 1 of 6464 chromosomes (freq: 0.0002), Latino in 1 of 34408 chromosomes (freq: 0.00003), and East Asian in 15 of 18866 chromosomes (freq: 0.0008), while the variant was not observed in the African, European, Ashkenazi Jewish, or Finnish populations. The p.Val202 residue is not conserved in mammals and computational analyses (PolyPhen-2, SIFT, AlignGVGD, BLOSUM, MutationTaster) do not suggest a high likelihood of impact to the protein; however, this information is not predictive enough to rule out pathogenicity. The variant occurs outside of the splicing consensus sequence and in silico or computational prediction software programs (SpliceSiteFinder, MaxEntScan, NNSPLICE, GeneSplicer, HumanSpliceFinder) do not predict a greater than 10% difference in splicing. In summary, based on the above information, the clinical significance of this variant cannot be determined with certainty at this time although we would lean towards a more benign role for this variant. This variant is classified as likely benign.

Joint Genome Diagnostic Labs from Nijmegen and Maastricht, Radboudumc and MUMC+
Classification: Benign. Review status: no assertion criteria provided. Collection method: clinical testing. Allele origin: germline. Affected: yes. Study: VKGL Data-share Consensus. Not counted in ClinVar's aggregate classification.

Literature cited by the submitters: PubMed 28135048 (cited by Quest Diagnostics Nichols Institute San Juan Capistrano); PubMed 24728327 (cited by 3 submitters); PubMed 33471991 (cited by Quest Diagnostics Nichols Institute San Juan Capistrano); PubMed 30287823 (cited by Quest Diagnostics Nichols Institute San Juan Capistrano); PubMed 23431106 (cited by 4 submitters).

NM_004360.5(CDH1):c.604G>A (p.Val202Ile)

Gene: CDH1 (cadherin 1; plus strand). Cytogenetic location: 16q22.1.
Variant type: single nucleotide variant.
Coding change: c.604G>A on transcript NM_004360.5 (MANE Select); coding-DNA position 604, G replaced by A.
Protein change: p.Val202Ile; replaces valine 202 with isoleucine.
Molecular consequence: missense variant. On other transcripts: 5 prime UTR variant (2).
Genome position (GRCh38, 1-based): chr16:68,808,765, G>A. VCF-style: chr16-68808765-G-A. GRCh37 (hg19) VCF-style: chr16-68842668-G-A.
Other names: p.V202I:GTT>ATT; NM_004360.4(CDH1):c.604G>A; c.604G>A, p.Val202Ile (NM_001317184.2); c.-1012G>A (NM_001317185.2); c.-1216G>A (NM_001317186.2); c.604G>A (LRG_301t1); short protein forms V202I.
Identifiers: ClinVar variation 133853 (VCV000133853.39), dbSNP rs546716073, ClinGen allele CA163776.
Genomic context (GRCh38, chr16:68,808,765, plus strand): 5'-AAAGACAAAGAAGGCAAGGTTTTCTACAGCATCACTGGCCAAGGAGCTGACACACCCCCT[G>A]TTGGTGTCTTTATTATTGAAAGAGAAACAGGATGGCTGAAGGTGACAGAGCCTCTGGATA-3'
Protein context (NP_004351.1, residues 192-212): ITGQGADTPP[Val202Ile]GVFIIERETG